The following is an entry in ClinVar:

ClinVar aggregate classification (germline): Uncertain significance. Review status: criteria provided, multiple submitters, no conflicts (2 of 4 stars). 2 submissions from 2 submitters: Uncertain significance (2). Last evaluated 2022-10-24.

Conditions:
Agammaglobulinemia 4, autosomal recessive (AGM4). Also called: B cell linker protein deficiency; AGAMMAGLOBULINEMIA, AUTOSOMAL RECESSIVE, DUE TO BLNK DEFECT. Identifiers: MedGen C3150752, MONDO:0013289, OMIM 613502.

Allele frequency attached by ClinVar (database versions not stated): gnomAD exomes 0.00010 and 0.00019; ExAC 0.00015; gnomAD 0.00029; TOPMed 0.00060; 1000 Genomes Project 30x 0.00078; 1000 Genomes Project 0.00080.
gnomAD v4.1: 197 of 1,607,830 alleles (0.012%); highest among the groups gnomAD compares: Admixed American, 0.16%; 2 homozygotes.

Submissions (2):

Labcorp Genetics (formerly Invitae), Labcorp
Classification: Uncertain significance for Agammaglobulinemia 4, autosomal recessive. Last evaluated: 2022-10-24. Review status: criteria provided, single submitter. Criteria: Invitae Variant Classification Sherloc (09022015). Collection method: clinical testing. Allele origin: germline.
Comment: This sequence change replaces isoleucine, which is neutral and non-polar, with leucine, which is neutral and non-polar, at codon 32 of the BLNK protein (p.Ile32Leu). This variant is present in population databases (rs191065660, gnomAD 0.09%). This variant has not been reported in the literature in individuals affected with BLNK-related conditions. ClinVar contains an entry for this variant (Variation ID: 839862). Algorithms developed to predict the effect of missense changes on protein structure and function (SIFT, PolyPhen-2, Align-GVGD) all suggest that this variant is likely to be tolerated. In summary, the available evidence is currently insufficient to determine the role of this variant in disease. Therefore, it has been classified as a Variant of Uncertain Significance.

New York Genome Center
Classification: Uncertain significance for Agammaglobulinemia 4, autosomal recessive. Last evaluated: 2021-10-07. Review status: criteria provided, single submitter. Criteria: NYGC Assertion Criteria 2020. Collection method: clinical testing. Allele origin: germline. Observed: 1 heterozygote. Study: CSER-NYCKidSeq.

NM_013314.4(BLNK):c.94A>T (p.Ile32Leu)

Gene: BLNK (B cell linker; minus strand). Cytogenetic location: 10q24.1.
Variant type: single nucleotide variant.
Coding change: c.94A>T on transcript NM_013314.4 (MANE Select); coding-DNA position 94, A replaced by T.
Protein change: p.Ile32Leu; replaces isoleucine 32 with leucine.
Molecular consequence: missense variant. On other transcripts: non-coding transcript variant (4).
Genome position (GRCh38, 1-based): chr10:96,247,003, T>A on the plus strand (A>T on the coding strand, the complement: BLNK is on the minus strand). VCF-style: chr10-96247003-T-A. GRCh37 (hg19) VCF-style: chr10-98006759-T-A.
Other names: c.94A>T, p.Ile32Leu (NM_001114094.2, NM_001258440.2, NM_001258441.2 and 1 more transcripts); short protein forms I32L.
Identifiers: ClinVar variation 839862 (VCV000839862.8), dbSNP rs191065660, ClinGen allele CA5623609.
Genomic context (GRCh38, chr10:96,247,003, plus strand): 5'-TTATTTTATATAATTAAGTATTTAAATAGAGGCGAACTTACTTTTTGATTTTATTCATTA[T>A]TCCACCTTCATTGTTTTTAATATCATGGACCATCTTTTGAAGCTGCCTGTAAAAAACAAA-3'
Protein context (NP_037446.1, residues 22-42): VHDIKNNEGG[Ile32Leu]MNKIKKLKVK